The following is an entry in ClinVar:

NM_000138.5(FBN1):c.5683T>C (p.Cys1895Arg)

Gene: FBN1 (fibrillin 1; minus strand). Cytogenetic location: 15q21.1.
Variant type: single nucleotide variant.
Coding change: c.5683T>C on transcript NM_000138.5 (MANE Select); coding-DNA position 5683, T replaced by C.
Protein change: p.Cys1895Arg; replaces cysteine 1895 with arginine.
Molecular consequence: missense variant.
Genome position (GRCh38, 1-based): chr15:48,446,811, A>G on the plus strand (T>C on the coding strand, the complement: FBN1 is on the minus strand). VCF-style: chr15-48446811-A-G. GRCh37 (hg19) VCF-style: chr15-48739008-A-G.
Other names: short protein forms C1895R.
Identifiers: ClinVar variation 237100 (VCV000237100.14), dbSNP rs878853686, ClinGen allele CA10583241.
Genomic context (GRCh38, chr15:48,446,811, plus strand): 5'-GGCAGTTGAAGGAACCAATTGTGTTCCGGCAAGTTCCATTCCCACAGGCATCTCTTTCAC[A>G]TTCATTTATGTCTAGTAGGAAGAAAGGCCATAAAGAAACATAATTATAAGTAGAAAAAGT-3'
Protein context (NP_000129.3, residues 1885-1905): DQTMCLDINE[Cys1895Arg]ERDACGNGTC

ClinVar aggregate classification (germline): Pathogenic/Likely pathogenic. Review status: criteria provided, multiple submitters, no conflicts (2 of 4 stars). 3 submissions from 3 submitters: Pathogenic (1); Likely pathogenic (1). 1 of the submissions does not count toward it. Last evaluated 2020-09-27.

Conditions:
Marfan syndrome (MFS). Also called: MARFAN SYNDROME, TYPE I; FBN1-Related Marfan Syndrome; Marfan syndrome, classic; Marfan syndrome type 1; Marfan's syndrome. Identifiers: Orphanet 284963, Orphanet 558, MedGen C0024796, MONDO:0007947, OMIM 154700.
Familial thoracic aortic aneurysm and aortic dissection (TAAD). Also called: Thoracic aortic aneurysms and dissections. Identifiers: Orphanet 91387, MedGen C4707243, MONDO:0019625.

Submissions (3):

Labcorp Genetics (formerly Invitae), Labcorp
Classification: Pathogenic for Marfan syndrome; Familial thoracic aortic aneurysm and aortic dissection. Last evaluated: 2020-09-27. Review status: criteria provided, single submitter. Criteria: Invitae Variant Classification Sherloc (09022015). Collection method: clinical testing. Allele origin: germline.
Comment: Algorithms developed to predict the effect of missense changes on protein structure and function are either unavailable or do not agree on the potential impact of this missense change (SIFT: "Deleterious"; PolyPhen-2: "Possibly Damaging"; Align-GVGD: "Class C0"). This variant affects a cysteine residue in the EGF-like, TGFBP or hybrid motif domains of FBN1. Cysteine residues are believed to be involved in intramolecular disulfide bridges and have been shown to be important for FBN1 protein structure (PMID: 16905551, 19349279). In addition, missense substitutions affecting cysteine residues within these domains are significantly overrepresented among patients with Marfan syndrome (PMID: 16571647, 17701892). For these reasons, this variant has been classified as Pathogenic. This variant has been observed in individual(s) with Marfan syndrome (PMID: 11059536, 16222657, 29357934). ClinVar contains an entry for this variant (Variation ID: 237100). This variant is not present in population databases (ExAC no frequency). This sequence change replaces cysteine with arginine at codon 1895 of the FBN1 protein (p.Cys1895Arg). The cysteine residue is highly conserved and there is a large physicochemical difference between cysteine and arginine.

Ambry Genetics
Classification: Likely pathogenic for Familial thoracic aortic aneurysm and aortic dissection. Last evaluated: 2016-04-08. Review status: criteria provided, single submitter. Criteria: Ambry Variant Classification Scheme 2023. Collection method: clinical testing. Allele origin: germline.
Comment: The p.C1895R variant (also known as c.5683T>C), located in coding exon 46 of the FBN1 gene, results from a T to C substitution at nucleotide position 5683. The cysteine at codon 1895 is replaced by arginine, an amino acid with highly dissimilar properties, and is located in the cb EGF-like #28 domain. This variant was reported in a patient with Marfan syndrome (Arbustini E et al, Hum Mutat. 2005 Nov; 26(5):494), as well as another individual with features of connective tissue disorder (Oh MR et al, Pediatr Int. 2000 Oct; 42(5):488-91). This variant was not reported in population based cohorts in the following databases: Database of Single Nucleotide Polymorphisms (dbSNP), NHLBI Exome Sequencing Project (ESP), and 1000 Genomes Project. In the ESP, this variant was not observed in 6494 samples (12988 alleles) with coverage at this position. This amino acid position is highly conserved in available vertebrate species. In addition, this alteration is predicted to be probably damaging and deleterious by PolyPhen and SIFT in silico analyses, respectively. Based on internal structural analysis, this variant results in a loss of the C1895-C1905 disulfide bond and is anticipated to result in a significant decrease in structural stability (Downing AK et al, Cell. 1996 May; 85(4):597-605). The majority of FBN1 mutations identified to date have involved the substitution or generation of cysteine residues within cbEGF domains (Vollbrandt T et al. J Biol Chem. 2004;279(31):32924-32931). Based on the majority of available evidence to date, this variant is likely to be pathogenic.

Center for Medical Genetics Ghent, University of Ghent
Classification: Likely pathogenic for Marfan syndrome. Last evaluated: 2017-11-07. Review status: no assertion criteria provided. Collection method: clinical testing. Allele origin: germline. Affected: yes. Not counted in ClinVar's aggregate classification.

Literature cited by the submitters: PubMed 16905551 (cited by Labcorp Genetics (formerly Invitae), Labcorp); PubMed 19349279 (cited by Labcorp Genetics (formerly Invitae), Labcorp); PubMed 16571647 (cited by Labcorp Genetics (formerly Invitae), Labcorp); PubMed 17701892 (cited by Labcorp Genetics (formerly Invitae), Labcorp); PubMed 11059536 (cited by Labcorp Genetics (formerly Invitae), Labcorp and Ambry Genetics); PubMed 16222657 (cited by Labcorp Genetics (formerly Invitae), Labcorp and Ambry Genetics); PubMed 29357934 (cited by Labcorp Genetics (formerly Invitae), Labcorp); PubMed 15161917 (cited by Ambry Genetics); PubMed 8653794 (cited by Ambry Genetics).